The following is an entry in ClinVar:

ClinVar aggregate classification (germline): Conflicting classifications of pathogenicity. Review status: criteria provided, conflicting classifications (1 of 4 stars). 5 submissions from 5 submitters: Uncertain significance (4); Likely benign (1). Last evaluated 2025-12-07.

Conditions:
Malignant hyperthermia, susceptibility to, 5 (MHS5). Also called: CACNA1S-Related Malignant Hyperthermia Susceptibility. Identifiers: Orphanet 423, MedGen C1866077, MONDO:0011163, OMIM 601887.
Hypokalemic periodic paralysis, type 1. Also called: HypoPP; Hypokalemic Periodic Paralysis Type 1 (AD). Identifiers: Orphanet 681, MedGen C3714580, MONDO:0042979, OMIM 170400.
Thyrotoxic periodic paralysis, susceptibility to, 1 (TTPP1). Identifiers: Orphanet 79102, MedGen C2749982, MONDO:0008570, OMIM 188580.
Congenital myopathy 18. Also called: Myopathy, congenital, due to dihydropyridine receptor defect; DIHYDROPYRIDINE RECEPTOR CONGENITAL MYOPATHY; DHPR CONGENITAL MYOPATHY. Identifiers: MedGen C5830283, MONDO:0859514, OMIM 620246.

Allele frequency attached by ClinVar (database versions not stated): ExAC 0.00002; gnomAD 0.00005; TOPMed 0.00005; gnomAD exomes 0.00006.
gnomAD v4.1: 93 of 1,614,118 alleles (0.0058%); highest among the groups gnomAD compares: Admixed American, 0.0083%; no homozygotes.

Submissions (5):

Labcorp Genetics (formerly Invitae), Labcorp
Classification: Likely benign for Hypokalemic periodic paralysis, type 1; Malignant hyperthermia, susceptibility to, 5. Last evaluated: 2025-12-07. Review status: criteria provided, single submitter. Criteria: Invitae Variant Classification Sherloc (09022015). Collection method: clinical testing. Allele origin: germline.

GeneDx
Classification: Uncertain significance. Last evaluated: 2025-03-07. Review status: criteria provided, single submitter. Criteria: GeneDx Variant Classification Process June 2021. Collection method: clinical testing. Allele origin: germline. Affected: yes.
Comment: In silico analysis supports that this missense variant has a deleterious effect on protein structure/function; Has not been previously published as pathogenic or benign to our knowledge

Color Diagnostics, LLC DBA Color Health
Classification: Uncertain significance for Malignant hyperthermia, susceptibility to, 5. Last evaluated: 2024-05-07. Review status: criteria provided, single submitter. Criteria: ACMG Guidelines, 2015. Collection method: clinical testing. Allele origin: germline.
Comment: This missense variant replaces glycine with serine at codon 264 of the CACNA1S protein. Computational prediction suggests that this variant may not impact protein structure and function (internally defined REVEL score threshold <= 0.5, PMID: 27666373). To our knowledge, functional studies have not been reported for this variant. This variant has not been reported in individuals affected with CACNA1S-related disorders in the literature. This variant has been identified in 15/282612 chromosomes in the general population by the Genome Aggregation Database (gnomAD). The available evidence is insufficient to determine the role of this variant in disease conclusively. Therefore, this variant is classified as a Variant of Uncertain Significance.

All of Us Research Program, National Institutes of Health
Classification: Uncertain significance for Malignant hyperthermia, susceptibility to, 5. Last evaluated: 2024-01-11. Review status: criteria provided, single submitter. Criteria: ACMG Guidelines, 2015. Collection method: clinical testing. Allele origin: germline. Inheritance: Autosomal dominant inheritance. Observed: 13 variant alleles, 13 heterozygotes.
Comment: This missense variant replaces glycine with serine at codon 264 of the CACNA1S protein. Computational prediction suggests that this variant may not impact protein structure and function (internally defined REVEL score threshold <= 0.5, PMID: 27666373). To our knowledge, functional studies have not been reported for this variant. This variant has not been reported in individuals affected with CACNA1S-related disorders in the literature. This variant has been identified in 15/282612 chromosomes in the general population by the Genome Aggregation Database (gnomAD). The available evidence is insufficient to determine the role of this variant in disease conclusively. Therefore, this variant is classified as a Variant of Uncertain Significance.

This study involves interpretation of variants in research participants for the purpose of population health screening. Participant phenotype was not available at the time of variant classification. Additional details can be found in publication PMID: 35346344, PMCID: PMC8962531

Fulgent Genetics
Classification: Uncertain significance for Hypokalemic periodic paralysis, type 1; Thyrotoxic periodic paralysis, susceptibility to, 1; Malignant hyperthermia, susceptibility to, 5; Congenital myopathy 18. Last evaluated: 2024-01-03. Review status: criteria provided, single submitter. Criteria: ACMG Guidelines, 2015. Collection method: clinical testing. Allele origin: germline.

NM_000069.3(CACNA1S):c.790G>A (p.Gly264Ser)

Gene: CACNA1S (calcium voltage-gated channel subunit alpha1 S; minus strand). Cytogenetic location: 1q32.1.
Variant type: single nucleotide variant.
Coding change: c.790G>A on transcript NM_000069.3 (MANE Select); coding-DNA position 790, G replaced by A.
Protein change: p.Gly264Ser; replaces glycine 264 with serine.
Molecular consequence: missense variant.
Genome position (GRCh38, 1-based): chr1:201,089,368, C>T on the plus strand (G>A on the coding strand, the complement: CACNA1S is on the minus strand). VCF-style: chr1-201089368-C-T. GRCh37 (hg19) VCF-style: chr1-201058496-C-T.
Other names: c.790G>A (NM_000069.2); short protein forms G264S.
Identifiers: ClinVar variation 1967795 (VCV001967795.9), dbSNP rs779029870, ClinGen allele CA084002.
Genomic context (GRCh38, chr1:201,089,368, plus strand): 5'-TGAGCATGGAGAAGCCGAAGTTGTCGAAGTGGGTGATGCCATGGTTGGGCCCTGGCCAGC[C>T]GCCCCGGCACTCACTGCCATTGATGGTGCACCGGCGCCCTGAGCCCGTCCTGGCGCAGGG-3'
Protein context (NP_000060.2, residues 254-274): CTINGSECRG[Gly264Ser]WPGPNHGITH